The following is an entry in ClinVar:

NM_001371986.1(UNC80):c.3175G>A (p.Gly1059Arg)

Gene: UNC80 (unc-80 homolog, NALCN channel complex subunit; plus strand). Cytogenetic location: 2q34.
Variant type: single nucleotide variant.
Coding change: c.3175G>A on transcript NM_001371986.1 (MANE Select); coding-DNA position 3175, G replaced by A.
Protein change: p.Gly1059Arg; replaces glycine 1059 with arginine.
Molecular consequence: missense variant.
Genome position (GRCh38, 1-based): chr2:209,839,355, G>A. VCF-style: chr2-209839355-G-A. GRCh37 (hg19) VCF-style: chr2-210704079-G-A.
Other names: c.3175G>A, p.Gly1059Arg (NM_032504.2); c.3160G>A, p.Gly1054Arg (NM_182587.4); short protein forms G1054R, G1059R.
Identifiers: ClinVar variation 2089528 (VCV002089528.2), dbSNP rs2471002324, ClinGen allele CA350412353.
Genomic context (GRCh38, chr2:209,839,355, plus strand): 5'-GCAAGTGACACCAGCAGCCAGTCTGAACAGGACACTTCAGAATGCACGACTGCCCACTCA[G>A]GGACCACCTCTGACCGACGTGCCCGCTCACGATCCCGCAGAATTTCCCTCCGAAAGAAGC-3'
Protein context (NP_001358915.1, residues 1049-1069): DTSECTTAHS[Gly1059Arg]TTSDRRARSR

ClinVar aggregate classification (germline): Uncertain significance (1 of 4 stars; one submission).

Submission:

Labcorp Genetics (formerly Invitae), Labcorp
Classification: Uncertain significance. Last evaluated: 2022-01-26. Review status: criteria provided, single submitter. Criteria: Invitae Variant Classification Sherloc (09022015). Collection method: clinical testing. Allele origin: germline.
Comment: In summary, the available evidence is currently insufficient to determine the role of this variant in disease. Therefore, it has been classified as a Variant of Uncertain Significance. Algorithms developed to predict the effect of sequence changes on RNA splicing suggest that this variant may create or strengthen a splice site. Algorithms developed to predict the effect of missense changes on protein structure and function are either unavailable or do not agree on the potential impact of this missense change (SIFT: "Not Available"; PolyPhen-2: "Probably Damaging"; Align-GVGD: "Not Available"). This variant has not been reported in the literature in individuals affected with UNC80-related conditions. This variant is not present in population databases (gnomAD no frequency). This sequence change replaces glycine, which is neutral and non-polar, with arginine, which is basic and polar, at codon 1059 of the UNC80 protein (p.Gly1059Arg).